The following is an entry in ClinVar:

NM_001365999.1(SZT2):c.5455A>G (p.Ser1819Gly)

Gene: SZT2 (SZT2 subunit of KICSTOR complex; plus strand). Cytogenetic location: 1p34.2.
Variant type: single nucleotide variant.
Coding change: c.5455A>G on transcript NM_001365999.1 (MANE Select); coding-DNA position 5455, A replaced by G.
Protein change: p.Ser1819Gly; replaces serine 1819 with glycine.
Molecular consequence: missense variant.
Genome position (GRCh38, 1-based): chr1:43,432,529, A>G. VCF-style: chr1-43432529-A-G. GRCh37 (hg19) VCF-style: chr1-43898200-A-G.
Other names: c.5284A>G, p.Ser1762Gly (NM_015284.4); short protein forms S1762G, S1819G.
Identifiers: ClinVar variation 1994928 (VCV001994928.4), dbSNP rs2545831361, ClinGen allele CA340025311.

ClinVar aggregate classification (germline): Uncertain significance (1 of 4 stars; one submission).

Submission:

Labcorp Genetics (formerly Invitae), Labcorp
Classification: Uncertain significance. Last evaluated: 2022-05-15. Review status: criteria provided, single submitter. Criteria: Invitae Variant Classification Sherloc (09022015). Collection method: clinical testing. Allele origin: germline.
Comment: In summary, the available evidence is currently insufficient to determine the role of this variant in disease. Therefore, it has been classified as a Variant of Uncertain Significance. Algorithms developed to predict the effect of missense changes on protein structure and function (SIFT, PolyPhen-2, Align-GVGD) all suggest that this variant is likely to be disruptive. This variant has not been reported in the literature in individuals affected with SZT2-related conditions. This variant is not present in population databases (gnomAD no frequency). This sequence change replaces serine, which is neutral and polar, with glycine, which is neutral and non-polar, at codon 1762 of the SZT2 protein (p.Ser1762Gly).